The following is an entry in ClinVar:

ClinVar aggregate classification (germline): Uncertain significance (1 of 4 stars; one submission).

Submission:

Labcorp Genetics (formerly Invitae), Labcorp
Classification: Uncertain significance. Last evaluated: 2023-06-27. Review status: criteria provided, single submitter. Criteria: Invitae Variant Classification Sherloc (09022015). Collection method: clinical testing. Allele origin: germline.
Comment: In summary, the available evidence is currently insufficient to determine the role of this variant in disease. Therefore, it has been classified as a Variant of Uncertain Significance. An algorithm developed to predict the effect of missense changes on protein structure and function (PolyPhen-2) suggests that this variant is likely to be tolerated. ClinVar contains an entry for this variant (Variation ID: 1962518). This variant has not been reported in the literature in individuals affected with FAR1-related conditions. This variant is not present in population databases (gnomAD no frequency). This sequence change replaces threonine, which is neutral and polar, with isoleucine, which is neutral and non-polar, at codon 420 of the FAR1 protein (p.Thr420Ile).

NM_032228.6(FAR1):c.1259C>T (p.Thr420Ile)

Gene: FAR1 (fatty acyl-CoA reductase 1; plus strand). Cytogenetic location: 11p15.3.
Variant type: single nucleotide variant.
Coding change: c.1259C>T on transcript NM_032228.6 (MANE Select); coding-DNA position 1259, C replaced by T.
Protein change: p.Thr420Ile; replaces threonine 420 with isoleucine.
Molecular consequence: missense variant.
Genome position (GRCh38, 1-based): chr11:13,727,557, C>T. VCF-style: chr11-13727557-C-T. GRCh37 (hg19) VCF-style: chr11-13749104-C-T.
Other names: short protein forms T420I.
Identifiers: ClinVar variation 1962518 (VCV001962518.5), dbSNP rs2500167800, ClinGen allele CA379858952.